The following is an entry in ClinVar:

ClinVar aggregate classification (germline): Benign/Likely benign. Review status: criteria provided, multiple submitters, no conflicts (2 of 4 stars). 7 submissions from 7 submitters: Benign (1); Likely benign (6). Last evaluated 2026-05-20.

Conditions:
Hereditary cancer-predisposing syndrome. Also called: Tumor predisposition; Neoplastic Syndromes, Hereditary; Hereditary Cancer Syndrome; Hereditary neoplastic syndrome. Identifiers: Orphanet 140162, MedGen C0027672, MeSH D009386, MONDO:0015356.
Neurofibromatosis, type 1 (NF1). Also called: Neurofibromatosis, type I; Peripheral type neurofibromatosis; NEUROFIBROMATOSIS, TYPE I, SOMATIC; VON RECKLINGHAUSEN DISEASE. Identifiers: Orphanet 636, MedGen C0027831, MONDO:0018975, OMIM 162200. Disease mechanism: loss of function.

Allele frequency attached by ClinVar (database versions not stated): gnomAD exomes 0.00001 and 0.00002; TOPMed below 0.00001.
gnomAD v4.1: 21 of 1,612,314 alleles (0.0013%); highest among the groups gnomAD compares: Non-Finnish European, 0.0018%; no homozygotes.

Submissions (7):

Myriad Genetics, Inc.
Classification: Benign for Neurofibromatosis, type 1. Last evaluated: 2026-05-20. Review status: criteria provided, single submitter. Criteria: Myriad Autosomal Dominant, Autosomal Recessive and X-Linked Classification Criteria (2023). Collection method: clinical testing. Allele origin: unknown.
Comment: This variant is considered benign. This variant is a silent/synonymous amino acid change and it is not expected to impact splicing.

Labcorp Genetics (formerly Invitae), Labcorp
Classification: Likely benign for Neurofibromatosis, type 1. Last evaluated: 2025-11-11. Review status: criteria provided, single submitter. Criteria: Invitae Variant Classification Sherloc (09022015). Collection method: clinical testing. Allele origin: germline.

Blueprint Genetics
Classification: Likely benign. Last evaluated: 2024-07-10. Review status: criteria provided, single submitter. Criteria: ACMG Guidelines, 2015. Collection method: clinical testing. Allele origin: germline.

Genome-Nilou Lab
Classification: Likely benign for Neurofibromatosis, type 1. Last evaluated: 2022-03-15. Review status: criteria provided, single submitter. Criteria: ACMG Guidelines, 2015. Collection method: clinical testing. Allele origin: germline. Affected: no.

GeneDx
Classification: Likely benign. Last evaluated: 2021-03-23. Review status: criteria provided, single submitter. Criteria: GeneDx Variant Classification Process June 2021. Collection method: clinical testing. Allele origin: germline. Affected: yes.

Laboratory for Molecular Medicine, Mass General Brigham Personalized Medicine
Classification: Likely benign. Last evaluated: 2016-01-15. Review status: criteria provided, single submitter. Criteria: LMM Criteria. Collection method: clinical testing. Allele origin: germline. Observed: 1 variant allele.
Comment: p.Ala1743Ala in exon 37 of NF1: This variant is not expected to have clinical si gnificance because it does not alter an amino acid residue and is not located wi thin the splice consensus sequence.

Ambry Genetics
Classification: Likely benign for Hereditary cancer-predisposing syndrome. Last evaluated: 2015-01-26. Review status: criteria provided, single submitter. Criteria: Ambry Autosomal Dominant and X-Linked criteria (10/2015). Collection method: clinical testing. Allele origin: germline. Observed: 1 variant allele.

NM_001042492.3(NF1):c.5229T>C (p.Ala1743=)

Gene: NF1 (neurofibromin 1; plus strand). Cytogenetic location: 17q11.2.
Variant type: single nucleotide variant.
Coding change: c.5229T>C on transcript NM_001042492.3 (MANE Select); coding-DNA position 5229, T replaced by C.
Protein change: p.Ala1743=; no amino-acid change (alanine 1743 retained).
Molecular consequence: synonymous variant.
Genome position (GRCh38, 1-based): chr17:31,326,213, T>C. VCF-style: chr17-31326213-T-C. GRCh37 (hg19) VCF-style: chr17-29653231-T-C.
Other names: c.5166T>C, p.Ala1722= (NM_000267.4).
Identifiers: ClinVar variation 227744 (VCV000227744.22), dbSNP rs876657546, ClinGen allele CA10577034.